The following is an entry in ClinVar:

NM_003742.4(ABCB11):c.1361T>G (p.Val454Gly)

Gene: ABCB11 (ATP binding cassette subfamily B member 11; minus strand). Cytogenetic location: 2q31.1.
Variant type: single nucleotide variant.
Coding change: c.1361T>G on transcript NM_003742.4 (MANE Select); coding-DNA position 1361, T replaced by G.
Protein change: p.Val454Gly; replaces valine 454 with glycine.
Molecular consequence: missense variant.
Genome position (GRCh38, 1-based): chr2:168,973,788, A>C on the plus strand (T>G on the coding strand, the complement: ABCB11 is on the minus strand). VCF-style: chr2-168973788-A-C. GRCh37 (hg19) VCF-style: chr2-169830298-A-C.
Other names: p.Val454Gly; short protein forms V454G.
Identifiers: ClinVar variation 1342714 (VCV001342714.3), dbSNP rs1558898919, ClinGen allele CA349117325.

ClinVar aggregate classification (germline): Uncertain significance (1 of 4 stars; one submission).

Conditions:
Benign recurrent intrahepatic cholestasis type 2 (BRIC2). Also called: Recurrent familial intrahepatic cholestasis 2. Identifiers: Orphanet 65682, Orphanet 99961, MedGen C2608083, MONDO:0011559, OMIM 605479.

Submission:

Foundation for Research in Genetics and Endocrinology, FRIGE's Institute of Human Genetics
Classification: Uncertain significance for Benign recurrent intrahepatic cholestasis type 2. Last evaluated: 2021-09-18. Review status: criteria provided, single submitter. Criteria: ACMG Guidelines, 2015. Collection method: clinical testing. Allele origin: germline. Inheritance: Autosomal recessive inheritance. Affected: yes. Observed: 1 heterozygote.
Comment: A heterozygous missense variation in exon 13 of the ABCB11 gene that results in the amino acid substitution of Glycine for Valine at codon 454 was detected. The observed variant c.1361T>G (p.Val454Gly) has not been reported in the 1000 genomes and gnomAD database. The in silico prediction of the variant are possibly damaging by PolyPhen-2 (HumDiv) and damaging by SIFT, LRT and MutationTaster2. The reference codon is conserved across species. In summary, the variant meets our criteria to be classified as a variant of uncertain significance.